The following is an entry in ClinVar:

NM_021930.6(RINT1):c.1675T>C (p.Phe559Leu)

Gene: RINT1 (RAD50 interactor 1; plus strand). Cytogenetic location: 7q22.3.
Variant type: single nucleotide variant.
Coding change: c.1675T>C on transcript NM_021930.6 (MANE Select); coding-DNA position 1675, T replaced by C.
Protein change: p.Phe559Leu; replaces phenylalanine 559 with leucine.
Molecular consequence: missense variant. On other transcripts: non-coding transcript variant (1).
Genome position (GRCh38, 1-based): chr7:105,563,736, T>C. VCF-style: chr7-105563736-T-C. GRCh37 (hg19) VCF-style: chr7-105204183-T-C.
Other names: c.1441T>C, p.Phe481Leu (NM_001346599.2); c.652T>C, p.Phe218Leu (NM_001346600.2, NM_001346603.2); c.751T>C, p.Phe251Leu (NM_001346601.2); short protein forms F251L, F481L, F559L, F218L.
Identifiers: ClinVar variation 1777784 (VCV001777784.8), dbSNP rs1362756178, ClinGen allele CA368813426.

ClinVar aggregate classification (germline): Uncertain significance. Review status: criteria provided, multiple submitters, no conflicts (2 of 4 stars). 3 submissions from 3 submitters: Uncertain significance (3). Last evaluated 2025-10-03.

Conditions:
Infantile liver failure syndrome 3. Identifiers: MedGen C5231437, MONDO:0032844, OMIM 618641.

Allele frequency attached by ClinVar (database versions not stated): gnomAD exomes below 0.00001; gnomAD 0.00001; TOPMed 0.00001.
gnomAD v4.1: 3 of 1,610,834 alleles (0.00019%); highest among the groups gnomAD compares: Admixed American, 0.0017%; no homozygotes.

Submissions (3):

Ambry Genetics
Classification: Uncertain significance. Last evaluated: 2025-10-03. Review status: criteria provided, single submitter. Criteria: Ambry Variant Classification Scheme 2023. Collection method: clinical testing. Allele origin: germline.
Comment: The p.F559L variant (also known as c.1675T>C), located in coding exon 12 of the RINT1 gene, results from a T to C substitution at nucleotide position 1675. The phenylalanine at codon 559 is replaced by leucine, an amino acid with highly similar properties. This variant was reported in 4/60,466 breast cancer cases and in 1/53,461 controls (Dorling et al. N Engl J Med. 2021 02;384:428-439). This amino acid position is highly conserved in available vertebrate species. In addition, this alteration is predicted to be deleterious by in silico analysis. Since supporting evidence is limited at this time, the clinical significance of this alteration remains unclear.

Fulgent Genetics
Classification: Uncertain significance for Infantile liver failure syndrome 3. Last evaluated: 2024-03-07. Review status: criteria provided, single submitter. Criteria: ACMG Guidelines, 2015. Collection method: clinical testing. Allele origin: germline.

Labcorp Genetics (formerly Invitae), Labcorp
Classification: Uncertain significance. Last evaluated: 2023-10-14. Review status: criteria provided, single submitter. Criteria: Invitae Variant Classification Sherloc (09022015). Collection method: clinical testing. Allele origin: germline.
Comment: This sequence change replaces phenylalanine, which is neutral and non-polar, with leucine, which is neutral and non-polar, at codon 559 of the RINT1 protein (p.Phe559Leu). This variant is present in population databases (no rsID available, gnomAD no frequency). This variant has not been reported in the literature in individuals affected with RINT1-related conditions. ClinVar contains an entry for this variant (Variation ID: 1777784). An algorithm developed to predict the effect of missense changes on protein structure and function (PolyPhen-2) suggests that this variant is likely to be disruptive. In summary, the available evidence is currently insufficient to determine the role of this variant in disease. Therefore, it has been classified as a Variant of Uncertain Significance.

Literature cited by the submitters: PubMed 33471991 (cited by Ambry Genetics).